The following is an entry in ClinVar:

NM_000719.7(CACNA1C):c.1327C>G (p.Gln443Glu)

Gene: CACNA1C (calcium voltage-gated channel subunit alpha1 C; plus strand). Cytogenetic location: 12p13.33.
Variant type: single nucleotide variant.
Coding change: c.1327C>G on transcript NM_000719.7 (MANE Select); coding-DNA position 1327, C replaced by G.
Protein change: p.Gln443Glu; replaces glutamine 443 with glutamic acid.
Molecular consequence: missense variant.
Genome position (GRCh38, 1-based): chr12:2,512,921, C>G. VCF-style: chr12-2512921-C-G. GRCh37 (hg19) VCF-style: chr12-2622087-C-G.
Other names: c.1327C>G, p.Gln443Glu (NM_001129827.2, NM_001129829.2, NM_001129830.3 and 18 more transcripts); c.1318C>G, p.Gln440Glu (NM_001129844.2); short protein forms Q443E, Q440E.
Identifiers: ClinVar variation 4843473 (VCV004843473.1).
Genomic context (GRCh38, chr12:2,512,921, plus strand): 5'-AAGCTGCGGGAGAAGCAGCAGCTAGAAGAGGATCTCAAAGGCTACCTGGATTGGATCACT[C>G]AGGCCGAAGACATCGATCCTGAGAATGAGGACGAAGGCATGGATGAGGAGAAGCCCCGAA-3'
Protein context (NP_000710.5, residues 433-453): DLKGYLDWIT[Gln443Glu]AEDIDPENED

ClinVar aggregate classification (germline): Uncertain significance (1 of 4 stars; one submission).

Conditions:
Cardiovascular phenotype. Identifiers: MedGen CN230736.

gnomAD v4.1: 1 of 1,612,376 alleles (0.000062%); highest among the groups gnomAD compares: South Asian, 0.0011%; no homozygotes.

Submission:

Ambry Genetics
Classification: Uncertain significance for Cardiovascular phenotype. Last evaluated: 2025-12-15. Review status: criteria provided, single submitter. Criteria: Ambry Variant Classification Scheme 2023. Collection method: clinical testing. Allele origin: germline.
Comment: The p.Q443E variant (also known as c.1327C>G), located in coding exon 9 of the CACNA1C gene, results from a C to G substitution at nucleotide position 1327. The glutamine at codon 443 is replaced by glutamic acid, an amino acid with highly similar properties. This amino acid position is highly conserved in available vertebrate species. In addition, this alteration is predicted to be deleterious by in silico analysis. Based on the available evidence, the clinical significance of this variant remains unclear.